The following is an entry in ClinVar:

ClinVar aggregate classification (germline): Pathogenic/Likely pathogenic. Review status: criteria provided, multiple submitters, no conflicts (2 of 4 stars). 12 submissions from 12 submitters: Pathogenic (5); Likely pathogenic (2). 5 of the submissions do not count toward it. Last evaluated 2025-01-24.

Conditions:
Cataract 9, multiple types, with microcornea. Identifiers: MedGen C4015986.
Cataract 9 multiple types. Also called: Cataract 9, multiple types, with or without microcornea; Cataract, autosomal recessive congenital 1. Identifiers: Orphanet 1377, MedGen C1858679, MONDO:0011413, OMIM 604219.
CRYAA-related disorder. Also called: CRYAA-related condition.
Developmental cataract. Also called: Bilateral cataracts; Congenital cataract; Congenital cataracts. Identifiers: MedGen C0009691, HP:0000519.
Abnormality of the eye. Identifiers: MedGen C4316870, HP:0000478.

Allele frequency attached by ClinVar (database versions not stated): gnomAD exomes below 0.00001.

Submissions (12):

GeneDx
Classification: Pathogenic. Last evaluated: 2025-01-24. Review status: criteria provided, single submitter. Criteria: GeneDx Variant Classification Process June 2021. Collection method: clinical testing. Allele origin: germline. Affected: yes.
Comment: Published functional studies demonstrate a damaging effect on the subunit exchange activity of the CRYAA protein (PMID: 22347476, 22045060); Not observed at significant frequency in large population cohorts (gnomAD); In silico analysis supports that this missense variant has a deleterious effect on protein structure/function; This variant is associated with the following publications: (PMID: 36307859, 36161833, 36729443, 37337769, 34758253, 22140512, 19503744, 22045060, 21612679, 23508780, 21686328, 17724170, 19390652, 32010934, 30078984, 22347476, 33707565, 26459035)

3billion
Classification: Likely pathogenic for Cataract 9 multiple types. Last evaluated: 2024-03-13. Review status: criteria provided, single submitter. Criteria: ACMG Guidelines, 2015. Collection method: clinical testing. Allele origin: germline. Affected: yes.
Comment: The variant is observed at an extremely low frequency in the gnomAD v2.1.1 dataset (total allele frequency: <0.001%). Predicted Consequence/Location: Missense changes are a common disease-causing mechanism. In silico tool predictions suggest damaging effect of the variant on gene or gene product [REVEL: 0.90 (>=0.6, sensitivity 0.68 and specificity 0.92)]. Same nucleotide change resulting in same amino acid change has been previously reported as pathogenic/likely pathogenic with strong evidence (ClinVar ID: VCV000068459 /PMID: 17724170). A different missense change at the same codon (p.Arg12Leu) has been reported to be associated with CRYAA related disorder (PMID: 30340470). Therefore, this variant is classified as Likely pathogenic according to the recommendation of ACMG/AMP guideline.

Blueprint Genetics
Classification: Pathogenic for CRYAA-related disorders. Last evaluated: 2023-08-24. Review status: criteria provided, single submitter. Criteria: ACMG Guidelines, 2015. Collection method: clinical testing. Allele origin: germline. Affected: yes. Observed: 5 variant alleles.

MGZ Medical Genetics Center
Classification: Likely pathogenic for Cataract 9 multiple types. Last evaluated: 2021-09-29. Review status: criteria provided, single submitter. Criteria: ACMG Guidelines, 2015. Collection method: clinical testing. Allele origin: germline. Affected: yes. Observed: 1 variant allele.
Comment: ACMG criteria applied: PS3, PS4_MOD, PP1_MOD, PP3

Kariminejad - Najmabadi Pathology & Genetics Center
Classification: Pathogenic for Abnormality of the eye. Last evaluated: 2021-07-10. Review status: criteria provided, single submitter. Criteria: ACMG Guidelines, 2015. Collection method: clinical testing. Allele origin: germline. Affected: yes.

Labcorp Genetics (formerly Invitae), Labcorp
Classification: Pathogenic for Cataract 9 multiple types. Last evaluated: 2020-10-25. Review status: criteria provided, single submitter. Criteria: Invitae Variant Classification Sherloc (09022015). Collection method: clinical testing. Allele origin: germline.
Comment: This sequence change replaces arginine with cysteine at codon 12 of the CRYAA protein (p.Arg12Cys). The arginine residue is highly conserved and there is a large physicochemical difference between arginine and cysteine. This variant is not present in population databases (ExAC no frequency). This variant has been observed in individuals with autosomal dominant congenital cataracts (PMID: 17724170, 19503744, 22045060, 23508780) and segregates with disease in families (PMID: 19503744, 23508780). ClinVar contains an entry for this variant (Variation ID: 68459). This variant has been reported to affect CRYAA protein function (PMID: 22140512, 22347476). For these reasons, this variant has been classified as Pathogenic.

Equipe Genetique des Anomalies du Developpement, Université de Bourgogne
Classification: Pathogenic for Cataract 9 multiple types. Last evaluated: 2020-07-28. Review status: criteria provided, single submitter. Criteria: ACMG Guidelines, 2015. Collection method: clinical testing. Allele origin: unknown. Affected: yes.

Dept. Genetics and Cancer, Menzies Institute for Medical Research, University of Tasmania
Classification: Likely pathogenic for Developmental cataract. Last evaluated: 2021-05-01. Review status: no assertion criteria provided. Criteria: ACMG Guidelines, 2015. Collection method: research. Allele origin: germline. Affected: yes. Not counted in ClinVar's aggregate classification.
Comment: PM2, PP1_strong, PP3. Absent/near absent from population databases. Same variant previously established pathogenic (report with cataract PMID: 23508780, 19503744, 17724170, 18587492, 19390652, 21686328, 30078984, 32010934), segregation (strong) with the disease in nine families with 20 meioses (this study and PMID: 23508780, 19503744, 17724170, 18587492, 19390652, 21686328, 30078984, 32010934). Multiple predictive tools assessing variant as damaging/pathogenic.

OMIM
Classification: Pathogenic for CATARACT 9, MULTIPLE TYPES, WITH MICROCORNEA. Last evaluated: 2013-07-01. Review status: no assertion criteria provided. Collection method: literature only. Allele origin: germline. Not counted in ClinVar's aggregate classification.

Diagnostic Laboratory, Department of Genetics, University Medical Center Groningen
Classification: Pathogenic. Review status: no assertion criteria provided. Collection method: clinical testing. Allele origin: germline. Affected: yes. Study: VKGL Data-share Consensus. Not counted in ClinVar's aggregate classification.

Genomics England Pilot Project, Genomics England
Classification: Pathogenic for Cataract 9 multiple types. Review status: no assertion criteria provided. Criteria: ACGS Guidelines, 2016. Collection method: clinical testing. Allele origin: germline. Affected: yes. Not counted in ClinVar's aggregate classification.

Joint Genome Diagnostic Labs from Nijmegen and Maastricht, Radboudumc and MUMC+
Classification: Pathogenic. Review status: no assertion criteria provided. Collection method: clinical testing. Allele origin: germline. Affected: yes. Study: VKGL Data-share Consensus. Not counted in ClinVar's aggregate classification.

Literature cited by the submitters: PubMed 30340470 (cited by 3billion); PubMed 17724170 (cited by 3 submitters); PubMed 19503744 (cited by Labcorp Genetics (formerly Invitae), Labcorp); PubMed 22045060 (cited by Labcorp Genetics (formerly Invitae), Labcorp); PubMed 23508780 (cited by Labcorp Genetics (formerly Invitae), Labcorp and OMIM); PubMed 22140512 (cited by Labcorp Genetics (formerly Invitae), Labcorp); PubMed 22347476 (cited by Labcorp Genetics (formerly Invitae), Labcorp).

NM_000394.4(CRYAA):c.34C>T (p.Arg12Cys)

Gene: CRYAA (crystallin alpha A; plus strand). Cytogenetic location: 21q22.3.
Variant type: single nucleotide variant.
Coding change: c.34C>T on transcript NM_000394.4 (MANE Select); coding-DNA position 34, C replaced by T.
Protein change: p.Arg12Cys; replaces arginine 12 with cysteine.
Molecular consequence: missense variant.
Genome position (GRCh38, 1-based): chr21:43,169,133, C>T. VCF-style: chr21-43169133-C-T. GRCh37 (hg19) VCF-style: chr21-44589243-C-T.
Other names: short protein forms R12C.
Identifiers: ClinVar variation 68459 (VCV000068459.43), dbSNP rs397515624, ClinGen allele CA145174.